The following is an entry in ClinVar:

NM_022788.5(P2RY12):c.672G>A (p.Arg224=)

Genes: MED12L (mediator complex subunit 12L; plus strand), P2RY12 (purinergic receptor P2Y12; minus strand). Cytogenetic location: 3q25.1.
Variant type: single nucleotide variant.
Coding change: c.672G>A on transcript NM_022788.5 (MANE Select); coding-DNA position 672, G replaced by A.
Protein change: p.Arg224=; no amino-acid change (arginine 224 retained).
Molecular consequence: synonymous variant. On other transcripts: intron variant (2).
Genome position (GRCh38, 1-based): chr3:151,338,174, C>T on the plus strand (G>A on the coding strand, the complement: P2RY12 is on the minus strand). VCF-style: chr3-151338174-C-T. GRCh37 (hg19) VCF-style: chr3-151055962-C-T.
Other names: c.672G>A, p.Arg224= (NM_176876.3); c.2251-11885C>T (NM_001393769.1); c.2146-11885C>T (NM_053002.6).
Identifiers: ClinVar variation 2898572 (VCV002898572.4), dbSNP rs533622869, ClinGen allele CA2667820.
Genomic context (GRCh38, chr3:151,338,174, plus strand): 5'-TACAGCAATGATAATGAAAACTTTGACGTTCACCTTTTTCCTGGGGACTTTACCTACACC[C>T]CTCGTTCTTACGTATGACCGGTACAGTTCTTTTGTAATGAGTGTATAACATACAATAACA-3'
Protein context (NP_073625.1, residues 214-234): KELYRSYVRT[Arg224=]GVGKVPRKKV

ClinVar aggregate classification (germline): Likely benign. Review status: criteria provided, multiple submitters, no conflicts (2 of 4 stars). 2 submissions from 2 submitters: Likely benign (2). Last evaluated 2024-10-28.

Allele frequency attached by ClinVar (database versions not stated): ExAC 0.00001.
gnomAD v4.1: 101 of 1,613,918 alleles (0.0063%); highest among the groups gnomAD compares: Non-Finnish European, 0.0081%; no homozygotes.

Submissions (2):

Women's Health and Genetics/Laboratory Corporation of America, LabCorp
Classification: Likely benign. Last evaluated: 2024-10-28. Review status: criteria provided, single submitter. Criteria: LabCorp Variant Classification Summary - May 2015. Collection method: clinical testing. Allele origin: germline.
Comment: Variant summary: P2RY12 c.672G>A alters a conserved nucleotide resulting in a synonymous change. Consensus agreement among computation tools predict no significant impact on normal splicing. However, these predictions have yet to be confirmed by functional studies. The variant allele was found at a frequency of 1.6e-05 in 251184 control chromosomes. The available data on variant occurrences in the general population are insufficient to allow any conclusion about variant significance. To our knowledge, no occurrence of c.672G>A in individuals affected with Platelet-Type Bleeding Disorder 8 and no experimental evidence demonstrating its impact on protein function have been reported. ClinVar contains an entry for this variant (Variation ID: 2898572). Based on the evidence outlined above, the variant was classified as likely benign.

Labcorp Genetics (formerly Invitae), Labcorp
Classification: Likely benign. Last evaluated: 2023-04-20. Review status: criteria provided, single submitter. Criteria: Invitae Variant Classification Sherloc (09022015). Collection method: clinical testing. Allele origin: germline.